The following is an entry in ClinVar:

ClinVar aggregate classification (germline): Uncertain significance (1 of 4 stars; one submission).

Conditions:
Inborn genetic diseases. Identifiers: MedGen C0950123, MeSH D030342.

Submission:

Ambry Genetics
Classification: Uncertain significance for Inborn genetic diseases. Last evaluated: 2024-11-23. Review status: criteria provided, single submitter. Criteria: Ambry Variant Classification Scheme 2023. Collection method: clinical testing. Allele origin: germline.
Comment: The p.A137G variant (also known as c.410C>G), located in coding exon 3 of the G6PC3 gene, results from a C to G substitution at nucleotide position 410. The alanine at codon 137 is replaced by glycine, an amino acid with similar properties. This amino acid position is conserved. In addition, this alteration is predicted to be tolerated by in silico analysis. Based on the available evidence, the clinical significance of this variant remains unclear.

NM_138387.4(G6PC3):c.410C>G (p.Ala137Gly)

Gene: G6PC3 (glucose-6-phosphatase catalytic subunit 3; plus strand). Cytogenetic location: 17q21.31.
Variant type: single nucleotide variant.
Coding change: c.410C>G on transcript NM_138387.4 (MANE Select); coding-DNA position 410, C replaced by G.
Protein change: p.Ala137Gly; replaces alanine 137 with glycine.
Molecular consequence: missense variant.
Genome position (GRCh38, 1-based): chr17:44,074,764, C>G. VCF-style: chr17-44074764-C-G. GRCh37 (hg19) VCF-style: chr17-42152132-C-G.
Other names: c.410C>G, p.Ala137Gly (NM_001319945.2); c.65C>G, p.Ala22Gly (NM_001384165.1, NM_001384166.1, NM_001384167.1 and 1 more transcripts); short protein forms A22G, A137G.
Identifiers: ClinVar variation 3518055 (VCV003518055.1).